The following is an entry in ClinVar:

NM_002184.4(IL6ST):c.471C>G (p.Asn157Lys)

Gene: IL6ST (interleukin 6 cytokine family signal transducer; minus strand). Cytogenetic location: 5q11.2.
Variant type: single nucleotide variant.
Coding change: c.471C>G on transcript NM_002184.4 (MANE Select); coding-DNA position 471, C replaced by G.
Protein change: p.Asn157Lys; replaces asparagine 157 with lysine.
Molecular consequence: missense variant. On other transcripts: non-coding transcript variant (2), intron variant (3).
Genome position (GRCh38, 1-based): chr5:55,968,296, G>C on the plus strand (C>G on the coding strand, the complement: IL6ST is on the minus strand). VCF-style: chr5-55968296-G-C. GRCh37 (hg19) VCF-style: chr5-55264124-G-C.
Other names: c.471C>G, p.Asn157Lys (NM_001190981.2, NM_001364275.2, NM_175767.3); c.261C>G, p.Asn87Lys (NM_001364276.2); c.-423+1254C>G (NM_001364279.2, NM_001364277.2); c.-413+1254C>G (NM_001364278.2); short protein forms N157K, N87K.
Identifiers: ClinVar variation 2099464 (VCV002099464.4), dbSNP rs1752755231, ClinGen allele CA359768444.

ClinVar aggregate classification (germline): Uncertain significance (1 of 4 stars; one submission).

Allele frequency attached by ClinVar (database versions not stated): gnomAD exomes below 0.00001; TOPMed below 0.00001.
gnomAD v4.1: 3 of 1,590,954 alleles (0.00019%); highest among the groups gnomAD compares: Non-Finnish European, 0.00026%; no homozygotes.

Submission:

Labcorp Genetics (formerly Invitae), Labcorp
Classification: Uncertain significance. Last evaluated: 2022-08-09. Review status: criteria provided, single submitter. Criteria: Invitae Variant Classification Sherloc (09022015). Collection method: clinical testing. Allele origin: germline.
Comment: In summary, the available evidence is currently insufficient to determine the role of this variant in disease. Therefore, it has been classified as a Variant of Uncertain Significance. Algorithms developed to predict the effect of sequence changes on RNA splicing suggest that this variant may disrupt the consensus splice site. Algorithms developed to predict the effect of missense changes on protein structure and function (SIFT, PolyPhen-2, Align-GVGD) all suggest that this variant is likely to be tolerated. This variant has not been reported in the literature in individuals affected with IL6ST-related conditions. This variant is not present in population databases (gnomAD no frequency). This sequence change replaces asparagine, which is neutral and polar, with lysine, which is basic and polar, at codon 157 of the IL6ST protein (p.Asn157Lys).